The following is an entry in ClinVar:

ClinVar aggregate classification (germline): Conflicting classifications of pathogenicity. Review status: criteria provided, conflicting classifications (1 of 4 stars). 3 submissions from 3 submitters: Uncertain significance (1); Likely benign (2). Last evaluated 2025-08-07.

Conditions:
Hereditary cancer. Identifiers: MedGen C1333600.
Charcot-Marie-Tooth disease type 2. Also called: Charcot-Marie-Tooth type 2. Identifiers: Orphanet 64746, MedGen C0270914, MONDO:0018993.

Allele frequency attached by ClinVar (database versions not stated): TOPMed 0.00001; gnomAD exomes 0.00004 and 0.00003; ExAC 0.00002.

Submissions (3):

Ambry Genetics
Classification: Likely benign. Last evaluated: 2025-08-07. Review status: criteria provided, single submitter. Criteria: Ambry Variant Classification Scheme 2023. Collection method: clinical testing. Allele origin: germline.

Mendelics
Classification: Likely benign for Hereditary cancer. Last evaluated: 2025-02-26. Review status: criteria provided, single submitter. Criteria: ACMG Guidelines, 2015. Collection method: clinical testing. Allele origin: unknown.
Comment: This variant is considered likely benign or benign based on one or more of the following: it is predicted to be benign by multiple in silico algorithms, and/or has population frequency not consistent with disease, and/or has normal protein function, and/or has lack of segregation with disease, and/or has been detected in co-occurrence with known pathogenic variant, and/or has lack of disease association in case-control studies, and/or is located in a region inconsistent with a known cause of pathogenicity.

Labcorp Genetics (formerly Invitae), Labcorp
Classification: Uncertain significance for Charcot-Marie-Tooth disease type 2. Last evaluated: 2023-07-19. Review status: criteria provided, single submitter. Criteria: Invitae Variant Classification Sherloc (09022015). Collection method: clinical testing. Allele origin: germline.
Comment: This sequence change replaces phenylalanine, which is neutral and non-polar, with cysteine, which is neutral and slightly polar, at codon 774 of the KIF1B protein (p.Phe774Cys). This variant is present in population databases (rs763979844, gnomAD 0.02%). This variant has not been reported in the literature in individuals affected with KIF1B-related conditions. ClinVar contains an entry for this variant (Variation ID: 966149). An algorithm developed to predict the effect of missense changes on protein structure and function (PolyPhen-2) suggests that this variant is likely to be disruptive. In summary, the available evidence is currently insufficient to determine the role of this variant in disease. Therefore, it has been classified as a Variant of Uncertain Significance.

NM_001365951.3(KIF1B):c.2459T>G (p.Phe820Cys)

Gene: KIF1B (kinesin family member 1B; plus strand). Cytogenetic location: 1p36.22.
Variant type: single nucleotide variant.
Coding change: c.2459T>G on transcript NM_001365951.3 (MANE Select); coding-DNA position 2459, T replaced by G.
Protein change: p.Phe820Cys; replaces phenylalanine 820 with cysteine.
Molecular consequence: missense variant.
Genome position (GRCh38, 1-based): chr1:10,323,984, T>G. VCF-style: chr1-10323984-T-G. GRCh37 (hg19) VCF-style: chr1-10384042-T-G.
Other names: c.2459T>G, p.Phe820Cys (NM_001365952.1); c.2321T>G, p.Phe774Cys (NM_015074.3); short protein forms F820C, F774C.
Identifiers: ClinVar variation 966149 (VCV000966149.12), dbSNP rs763979844, ClinGen allele CA581528.